The following is an entry in ClinVar:

ClinVar aggregate classification (germline): Uncertain significance. Review status: criteria provided, multiple submitters, no conflicts (2 of 4 stars). 2 submissions from 2 submitters: Uncertain significance (2). Last evaluated 2026-01-20.

Conditions:
Hereditary cancer-predisposing syndrome. Also called: Neoplastic Syndromes, Hereditary; Tumor predisposition; Hereditary Cancer Syndrome; Hereditary neoplastic syndrome. Identifiers: Orphanet 140162, MedGen C0027672, MeSH D009386, MONDO:0015356.
Familial cancer of breast. Also called: BREAST CANCER, FAMILIAL; Hereditary breast cancer; hereditary breast carcinoma. Identifiers: Orphanet 227535, MedGen C0346153, MONDO:0016419, OMIM 114480. Disease mechanism: loss of function.

Submissions (2):

Labcorp Genetics (formerly Invitae), Labcorp
Classification: Uncertain significance for Familial cancer of breast. Last evaluated: 2026-01-20. Review status: criteria provided, single submitter. Criteria: Invitae Variant Classification Sherloc (09022015). Collection method: clinical testing. Allele origin: germline.
Comment: This sequence change replaces aspartic acid, which is acidic and polar, with tyrosine, which is neutral and polar, at codon 101 of the CHEK2 protein (p.Asp101Tyr). This variant is not present in population databases (gnomAD no frequency). This variant has not been reported in the literature in individuals affected with CHEK2-related conditions. ClinVar contains an entry for this variant (Variation ID: 186864). An algorithm developed to predict the effect of missense changes on protein structure and function (PolyPhen-2) suggests that this variant is likely to be tolerated. In summary, the available evidence is currently insufficient to determine the role of this variant in disease. Therefore, it has been classified as a Variant of Uncertain Significance.

Ambry Genetics
Classification: Uncertain significance for Hereditary cancer-predisposing syndrome. Last evaluated: 2025-08-25. Review status: criteria provided, single submitter. Criteria: Ambry Variant Classification Scheme 2023. Collection method: clinical testing. Allele origin: germline.
Comment: The p.D101Y variant (also known as c.301G>T), located in coding exon 1 of the CHEK2 gene, results from a G to T substitution at nucleotide position 301. The aspartic acid at codon 101 is replaced by tyrosine, an amino acid with highly dissimilar properties. This amino acid position is not well conserved in available vertebrate species. In addition, the in silico prediction for this alteration is inconclusive. Since supporting evidence is limited at this time, the clinical significance of this alteration remains unclear.

NM_007194.4(CHEK2):c.301G>T (p.Asp101Tyr)

Gene: CHEK2 (checkpoint kinase 2; minus strand). Cytogenetic location: 22q12.1.
Variant type: single nucleotide variant.
Coding change: c.301G>T on transcript NM_007194.4 (MANE Select); coding-DNA position 301, G replaced by T.
Protein change: p.Asp101Tyr; replaces aspartic acid 101 with tyrosine.
Molecular consequence: missense variant.
Genome position (GRCh38, 1-based): chr22:28,734,421, C>A on the plus strand (G>T on the coding strand, the complement: CHEK2 is on the minus strand). VCF-style: chr22-28734421-C-A. GRCh37 (hg19) VCF-style: chr22-29130409-C-A.
Other names: c.301G>T, p.Asp101Tyr (NM_001005735.3, NM_001349956.3, NM_145862.3); c.-477G>T (NM_001257387.3); short protein forms D101Y.
Identifiers: ClinVar variation 186864 (VCV000186864.15), dbSNP rs786203283, ClinGen allele CA196080.